The following is an entry in ClinVar:

ClinVar aggregate classification (germline): Pathogenic (1 of 4 stars; one submission).

Conditions:
Early-infantile DEE. Also called: Ohtahara syndrome; Early infantile epileptic encephalopathy with suppression bursts; Early infantile epileptic encephalopathy. Identifiers: Orphanet 1934, MedGen C0393706, MONDO:0800491.

Submission:

Labcorp Genetics (formerly Invitae), Labcorp
Classification: Pathogenic for Early-infantile DEE. Last evaluated: 2022-07-05. Review status: criteria provided, single submitter. Criteria: Invitae Variant Classification Sherloc (09022015). Collection method: clinical testing. Allele origin: germline.
Comment: This sequence change replaces threonine, which is neutral and polar, with lysine, which is basic and polar, at codon 1658 of the SCN1A protein (p.Thr1658Lys). For these reasons, this variant has been classified as Pathogenic. This variant disrupts the p.Thr1658 amino acid residue in SCN1A. Other variant(s) that disrupt this residue have been observed in individuals with SCN1A-related conditions (PMID: 17561957, 18930999, 20522430), which suggests that this may be a clinically significant amino acid residue. Advanced modeling of protein sequence and biophysical properties (such as structural, functional, and spatial information, amino acid conservation, physicochemical variation, residue mobility, and thermodynamic stability) performed at Invitae indicates that this missense variant is expected to disrupt SCN1A protein function. ClinVar contains an entry for this variant (Variation ID: 841364). This missense change has been observed in individual(s) with clinical features of SCN1A-related conditions (PMID: 31439038). In at least one individual the variant was observed to be de novo. This variant is not present in population databases (gnomAD no frequency).

Literature cited by the submitters: PubMed 17561957; PubMed 18930999; PubMed 20522430; PubMed 31439038.

NM_001165963.4(SCN1A):c.4973C>A (p.Thr1658Lys)

Genes: SCN1A (sodium voltage-gated channel alpha subunit 1; minus strand), LOC102724058 (uncharacterized LOC102724058; plus strand). Cytogenetic location: 2q24.3.
Variant type: single nucleotide variant.
Coding change: c.4973C>A on transcript NM_001165963.4 (MANE Select); coding-DNA position 4973, C replaced by A.
Protein change: p.Thr1658Lys; replaces threonine 1658 with lysine.
Molecular consequence: missense variant. On other transcripts: non-coding transcript variant (1).
Genome position (GRCh38, 1-based): chr2:165,992,302, G>T on the plus strand (C>A on the coding strand, the complement: SCN1A is on the minus strand). VCF-style: chr2-165992302-G-T. GRCh37 (hg19) VCF-style: chr2-166848812-G-T.
Other names: c.4889C>A, p.Thr1630Lys (NM_001165964.3, NM_001353957.2, NM_001353958.2); c.4973C>A, p.Thr1658Lys (NM_001202435.3, NM_001353948.2); c.4940C>A, p.Thr1647Lys (NM_001353949.2, NM_001353950.2, NM_001353951.2 and 2 more transcripts); c.4937C>A, p.Thr1646Lys (NM_001353954.2, NM_001353955.2); c.4886C>A, p.Thr1629Lys (NM_001353960.2); c.2531C>A, p.Thr844Lys (NM_001353961.2); short protein forms T1629K, T1647K, T1630K, T1646K, T1658K, T844K.
Identifiers: ClinVar variation 841364 (VCV000841364.10), dbSNP rs121917922, ClinGen allele CA349069929.